The following is an entry in ClinVar:

NM_182961.4(SYNE1):c.8546T>C (p.Val2849Ala)

Genes: SYNE1 (spectrin repeat containing nuclear envelope protein 1; minus strand), LOC126859838 (CDK7 strongly-dependent group 2 enhancer GRCh37_chr6:152706655-152707854; plus strand). Cytogenetic location: 6q25.2.
Variant type: single nucleotide variant.
Coding change: c.8546T>C on transcript NM_182961.4 (MANE Select); coding-DNA position 8546, T replaced by C.
Protein change: p.Val2849Ala; replaces valine 2849 with alanine.
Molecular consequence: missense variant.
Genome position (GRCh38, 1-based): chr6:152,385,780, A>G on the plus strand (T>C on the coding strand, the complement: SYNE1 is on the minus strand). VCF-style: chr6-152385780-A-G. GRCh37 (hg19) VCF-style: chr6-152706915-A-G.
Other names: c.8567T>C, p.Val2856Ala (NM_033071.5); c.8546T>C (NM_182961.2); short protein forms V2849A, V2856A.
Identifiers: ClinVar variation 285095 (VCV000285095.25), dbSNP rs375079396, ClinGen allele CA4057519.

ClinVar aggregate classification (germline): Uncertain significance. Review status: criteria provided, multiple submitters, no conflicts (2 of 4 stars). 8 submissions from 8 submitters: Uncertain significance (7). 1 of the submissions does not count toward it. Last evaluated 2026-06-24.

Conditions:
SYNE1-related disorder. Also called: SYNE1-related disorders; SYNE1-related disease; SYNE1-related condition.
Autosomal recessive ataxia, Beauce type. Also called: Spinocerebellar ataxia, autosomal recessive 8; ATAXIA, RECESSIVE, OF BEAUCE; SYNE1-Related Autosomal Recessive Cerebellar Ataxia; SYNE1 Deficiency. Identifiers: Orphanet 88644, MedGen C1853116, MONDO:0012549, OMIM 610743.
Emery-Dreifuss muscular dystrophy 4, autosomal dominant (EDMD4). Also called: EMERY-DREIFUSS MUSCULAR DYSTROPHY 4 WITH VARIABLE FEATURES. Identifiers: Orphanet 261, MedGen C2751807, MONDO:0013071, OMIM 612998.

Allele frequency attached by ClinVar (database versions not stated): gnomAD exomes 0.00004 and 0.00007; ExAC 0.00007; ESP Exome Variant Server 0.00015; 1000 Genomes Project 30x 0.00016; gnomAD 0.00029; TOPMed 0.00037.
gnomAD v4.1: 105 of 1,614,120 alleles (0.0065%); highest among the groups gnomAD compares: African/African-American, 0.11%; no homozygotes.

Submissions (8):

PreventionGenetics, part of Exact Sciences
Classification: Uncertain significance for SYNE1-related condition. Last evaluated: 2026-06-24. Review status: criteria provided, single submitter. Criteria: ACMG Guidelines, 2015. Collection method: clinical testing. Allele origin: germline.
Comment: The SYNE1 c.8567T>C variant is predicted to result in the amino acid substitution p.Val2856Ala. To our knowledge, this variant has not been reported in the literature. This variant is reported in 0.076% of alleles in individuals of African descent in gnomAD. At this time, the clinical significance of this variant is uncertain due to the absence of conclusive functional and genetic evidence.

Labcorp Genetics (formerly Invitae), Labcorp
Classification: Uncertain significance for Emery-Dreifuss muscular dystrophy 4, autosomal dominant; Autosomal recessive ataxia, Beauce type. Last evaluated: 2025-10-21. Review status: criteria provided, single submitter. Criteria: Invitae Variant Classification Sherloc (09022015). Collection method: clinical testing. Allele origin: germline.
Comment: This sequence change replaces valine, which is neutral and non-polar, with alanine, which is neutral and non-polar, at codon 2856 of the SYNE1 protein (p.Val2856Ala). This variant is present in population databases (rs375079396, gnomAD 0.08%). This variant has not been reported in the literature in individuals affected with SYNE1-related conditions. ClinVar contains an entry for this variant (Variation ID: 285095). An algorithm developed to predict the effect of missense changes on protein structure and function (PolyPhen-2) suggests that this variant is likely to be tolerated. In summary, the available evidence is currently insufficient to determine the role of this variant in disease. Therefore, it has been classified as a Variant of Uncertain Significance.

GeneDx
Classification: Uncertain significance. Last evaluated: 2025-07-07. Review status: criteria provided, single submitter. Criteria: GeneDx Variant Classification Process June 2021. Collection method: clinical testing. Allele origin: germline. Affected: yes.
Comment: In silico analysis supports that this missense variant has a deleterious effect on protein structure/function; Has not been previously published as pathogenic or benign to our knowledge

Dasa
Classification: Uncertain significance. Last evaluated: 2025-02-28. Review status: criteria provided, single submitter. Criteria: DASA Assertion Criteria. Collection method: clinical testing. Allele origin: germline.
Comment: NM_182961.4(SYNE1):c.8546T>C (p.Val2849Ala) is a missense variant that results in the substitution of valine with alanine. This variant is rare in population databases. Computational prediction algorithms are consistent with a benign effect. The currently available literature and clinical evidence are not sufficient to establish a definitive association between this variant and the reported condition. Therefore, this variant is classified as a variant of uncertain significance.

Athena Diagnostics
Classification: Uncertain significance. Last evaluated: 2024-10-11. Review status: criteria provided, single submitter. Criteria: Athena Diagnostics Criteria. Collection method: clinical testing. Allele origin: unknown.
Comment: Available data are insufficient to determine the clinical significance of the variant at this time. The frequency of this variant in the general population is higher than would generally be expected for pathogenic variants in this gene. Polyphen and MutationTaster predict this amino acid change may be benign.

Revvity Omics, Revvity
Classification: Uncertain significance. Last evaluated: 2019-08-07. Review status: criteria provided, single submitter. Criteria: ACMG Guidelines, 2015. Collection method: clinical testing. Allele origin: germline.

Eurofins Ntd Llc (ga)
Classification: Uncertain significance. Last evaluated: 2015-12-28. Review status: criteria provided, single submitter. Criteria: EGL Classification Definitions 2015. Collection method: clinical testing. Allele origin: germline. Observed: 2 variant alleles, 2 heterozygotes.

Department of Pathology and Laboratory Medicine, Sinai Health System
Classification: Uncertain significance. Review status: no assertion criteria provided. Collection method: clinical testing. Allele origin: unknown. Affected: yes. Study: The Canadian Open Genetics Repository (COGR). Not counted in ClinVar's aggregate classification.
Comment: The SYNE1 p.Val2849Ala variant was not identified in the literature nor was it identified in Cosmic. The variant was identified in dbSNP (ID: rs375079396), ClinVar (classified as a VUS by EGL Genetics and Invitae) and LOVD 3.0 (classified as a VUS). The variant was also identified in control databases in 25 of 282710 chromosomes at a frequency of 0.000088 (Genome Aggregation Database Feb 27, 2017). The variant was observed in the following populations: African in 19 of 24968 chromosomes (freq: 0.000761) and Latino in 6 of 35434 chromosomes (freq: 0.000169), while the variant was not observed in the Ashkenazi Jewish, East Asian, European (Finnish), European (non-Finnish), Other or South Asian populations. The p.Val2849 residue is conserved in mammals and computational analyses (PolyPhen-2, SIFT, AlignGVGD, BLOSUM, MutationTaster) provide inconsistent predictions regarding the impact to the protein; this information is not very predictive of pathogenicity. The variant occurs outside of the splicing consensus sequence and in silico or computational prediction software programs (SpliceSiteFinder, MaxEntScan, NNSPLICE, GeneSplicer) do not predict a difference in splicing. In summary, based on the above information the clinical significance of this variant cannot be determined with certainty at this time. This variant is classified as a variant of uncertain significance.